The following is an entry in ClinVar:

NM_139076.3(ABRAXAS1):c.448G>A (p.Glu150Lys)

Gene: ABRAXAS1 (abraxas 1, BRCA1 A complex subunit; minus strand). Cytogenetic location: 4q21.23.
Variant type: single nucleotide variant.
Coding change: c.448G>A on transcript NM_139076.3 (MANE Select); coding-DNA position 448, G replaced by A.
Protein change: p.Glu150Lys; replaces glutamic acid 150 with lysine.
Molecular consequence: missense variant.
Genome position (GRCh38, 1-based): chr4:83,470,231, C>T on the plus strand (G>A on the coding strand, the complement: ABRAXAS1 is on the minus strand). VCF-style: chr4-83470231-C-T. GRCh37 (hg19) VCF-style: chr4-84391384-C-T.
Other names: c.121G>A, p.Glu41Lys (NM_001345962.2); short protein forms E150K, E41K.
Identifiers: ClinVar variation 3994537 (VCV003994537.1).

ClinVar aggregate classification (germline): Uncertain significance (1 of 4 stars; one submission).

Submission:

Ambry Genetics
Classification: Uncertain significance. Last evaluated: 2025-03-30. Review status: criteria provided, single submitter. Criteria: Ambry Variant Classification Scheme 2023. Collection method: clinical testing. Allele origin: germline.
Comment: The p.E150K variant (also known as c.448G>A), located in coding exon 5 of the FAM175A gene, results from a G to A substitution at nucleotide position 448. The glutamic acid at codon 150 is replaced by lysine, an amino acid with similar properties. This amino acid position is conserved. In addition, the in silico prediction for this alteration is inconclusive. Based on the available evidence, the clinical significance of this variant remains unclear.